The following is an entry in ClinVar:

ClinVar aggregate classification (germline): Pathogenic (1 of 4 stars; one submission).

Conditions:
Multiple acyl-CoA dehydrogenase deficiency (MADD). Also called: ETHYLMALONIC-ADIPICACIDURIA; GA II; Glutaric acidemia type II; GA 2; Glutaric Acidemia type 2; Glutaric aciduria, type 2. Identifiers: Orphanet 26791, MedGen C0268596, MONDO:0009282, OMIM 231680.

Submission:

Labcorp Genetics (formerly Invitae), Labcorp
Classification: Pathogenic for Multiple acyl-CoA dehydrogenase deficiency. Last evaluated: 2022-07-21. Review status: criteria provided, single submitter. Criteria: Invitae Variant Classification Sherloc (09022015). Collection method: clinical testing. Allele origin: germline.
Comment: This sequence change creates a premature translational stop signal (p.Glu58*) in the ETFDH gene. It is expected to result in an absent or disrupted protein product. Loss-of-function variants in ETFDH are known to be pathogenic (PMID: 16510302, 23785301). This variant is not present in population databases (gnomAD no frequency). This variant has not been reported in the literature in individuals affected with ETFDH-related conditions. Algorithms developed to predict the effect of sequence changes on RNA splicing suggest that this variant may create or strengthen a splice site. For these reasons, this variant has been classified as Pathogenic.

Literature cited by the submitters: PubMed 16510302; PubMed 23785301.

NM_004453.4(ETFDH):c.172G>T (p.Glu58Ter)

Gene: ETFDH (electron transfer flavoprotein dehydrogenase; plus strand). Cytogenetic location: 4q32.1.
Variant type: single nucleotide variant.
Coding change: c.172G>T on transcript NM_004453.4 (MANE Select); coding-DNA position 172, G replaced by T.
Protein change: p.Glu58Ter; replaces glutamic acid 58 with a stop codon.
Molecular consequence: nonsense. On other transcripts: intron variant (1).
Genome position (GRCh38, 1-based): chr4:158,680,604, G>T. VCF-style: chr4-158680604-G-T. GRCh37 (hg19) VCF-style: chr4-159601756-G-T.
Other names: c.35-1591G>T (NM_001281737.2); short protein forms E58*.
Identifiers: ClinVar variation 2018490 (VCV002018490.4), dbSNP rs1473188524, ClinGen allele CA358573610.